The following is an entry in ClinVar:

NM_020163.3(SEMA3G):c.1250C>G (p.Pro417Arg)

Gene: SEMA3G (semaphorin 3G; minus strand). Cytogenetic location: 3p21.1.
Variant type: single nucleotide variant.
Coding change: c.1250C>G on transcript NM_020163.3 (MANE Select); coding-DNA position 1250, C replaced by G.
Protein change: p.Pro417Arg; replaces proline 417 with arginine.
Molecular consequence: missense variant.
Genome position (GRCh38, 1-based): chr3:52,439,992, G>C on the plus strand (C>G on the coding strand, the complement: SEMA3G is on the minus strand). VCF-style: chr3-52439992-G-C. GRCh37 (hg19) VCF-style: chr3-52474008-G-C.
Other names: c.1250C>G (NM_020163.2); short protein forms P417R.
Identifiers: ClinVar variation 4162136 (VCV004162136.2).

ClinVar aggregate classification (germline): Uncertain significance. Review status: criteria provided, multiple submitters, no conflicts (2 of 4 stars). 2 submissions from 2 submitters: Uncertain significance (2). Last evaluated 2025-08-27.

Conditions:
SEMA3G-related disorder. Also called: SEMA3G-related condition.

gnomAD v4.1: 11 of 1,613,540 alleles (0.00068%); highest among the groups gnomAD compares: Non-Finnish European, 0.00093%; no homozygotes.

Submissions (2):

Ambry Genetics
Classification: Uncertain significance. Last evaluated: 2025-08-27. Review status: criteria provided, single submitter. Criteria: Ambry Variant Classification Scheme 2023. Collection method: clinical testing. Allele origin: germline.

PreventionGenetics, part of Exact Sciences
Classification: Uncertain significance for SEMA3G-related condition. Last evaluated: 2025-01-23. Review status: criteria provided, single submitter. Criteria: ACMG Guidelines, 2015. Collection method: clinical testing. Allele origin: germline.
Comment: The SEMA3G c.1250C>G variant is predicted to result in the amino acid substitution p.Pro417Arg. To our knowledge, this variant has not been reported in the literature or in a large population database (gnomAD), indicating this variant is rare. At this time, the clinical significance of this variant is uncertain due to the absence of conclusive functional and genetic evidence.